The following is an entry in ClinVar:

NM_004336.5(BUB1):c.2732G>A (p.Cys911Tyr)

Gene: BUB1 (BUB1 mitotic checkpoint serine/threonine kinase; minus strand). Cytogenetic location: 2q13.
Variant type: single nucleotide variant.
Coding change: c.2732G>A on transcript NM_004336.5 (MANE Select); coding-DNA position 2732, G replaced by A.
Protein change: p.Cys911Tyr; replaces cysteine 911 with tyrosine.
Molecular consequence: missense variant. On other transcripts: intron variant (1).
Genome position (GRCh38, 1-based): chr2:110,641,358, C>T on the plus strand (G>A on the coding strand, the complement: BUB1 is on the minus strand). VCF-style: chr2-110641358-C-T. GRCh37 (hg19) VCF-style: chr2-111398935-C-T.
Other names: c.2672G>A, p.Cys891Tyr (NM_001278616.2); c.2626-166G>A (NM_001278617.2); short protein forms C891Y, C911Y.
Identifiers: ClinVar variation 2562177 (VCV002562177.2), dbSNP rs1198298173, ClinGen allele CA348089575.

ClinVar aggregate classification (germline): Uncertain significance (1 of 4 stars; one submission).

Allele frequency attached by ClinVar (database versions not stated): gnomAD 0.00001; TOPMed 0.00001.
gnomAD v4.1: 1 of 1,613,612 alleles (0.000062%); highest among the groups gnomAD compares: African/African-American, 0.0013%; no homozygotes.

Submission:

Ambry Genetics
Classification: Uncertain significance. Last evaluated: 2023-06-07. Review status: criteria provided, single submitter. Criteria: Ambry Variant Classification Scheme 2023. Collection method: clinical testing. Allele origin: germline.
Comment: The p.C911Y variant (also known as c.2732G>A), located in coding exon 22 of the BUB1 gene, results from a G to A substitution at nucleotide position 2732. The cysteine at codon 911 is replaced by tyrosine, an amino acid with highly dissimilar properties. This amino acid position is conserved. In addition, the in silico prediction for this alteration is inconclusive. Since supporting evidence is limited at this time, the clinical significance of this alteration remains unclear.